The following is an entry in ClinVar:

ClinVar aggregate classification (germline): Uncertain significance. Review status: criteria provided, multiple submitters, no conflicts (2 of 4 stars). 2 submissions from 2 submitters: Uncertain significance (2). Last evaluated 2023-10-16.

Conditions:
Lynch syndrome 4 (LYNCH4). Also called: Colorectal cancer, hereditary nonpolyposis, type 4; Hereditary non-polyposis colorectal cancer, type 4. Identifiers: Orphanet 144, MedGen C1838333, MONDO:0013699, OMIM 614337. Disease mechanism: loss of function.
Hereditary nonpolyposis colorectal neoplasms. Identifiers: MedGen C0009405, MeSH D003123.

Submissions (2):

Baylor Genetics
Classification: Uncertain significance for Lynch syndrome 4. Last evaluated: 2023-10-16. Review status: criteria provided, single submitter. Criteria: ACMG Guidelines, 2015. Collection method: clinical testing. Allele origin: unknown.

Labcorp Genetics (formerly Invitae), Labcorp
Classification: Uncertain significance for Hereditary nonpolyposis colorectal neoplasms. Last evaluated: 2017-03-02. Review status: criteria provided, single submitter. Criteria: Invitae Variant Classification Sherloc (09022015). Collection method: clinical testing. Allele origin: germline.
Comment: In summary, this variant is a novel missense change that is not predicted to affect protein function. There is no indication that it causes disease, but the available evidence is currently insufficient to prove that conclusively. Therefore, it has been classified as a Variant of Uncertain Significance. Algorithms developed to predict the effect of missense changes on protein structure and function output the following: SIFT: "Tolerated"; PolyPhen-2: "Benign"; Align-GVGD: "Class C0". The isoleucine amino acid residue is found in multiple mammalian species, suggesting that this missense change does not adversely affect protein function. These predictions have not been confirmed by published functional studies. This variant is not present in population databases (ExAC no frequency) and has not been reported in the literature in individuals with a PMS2-related disease. This sequence change replaces valine with isoleucine at codon 372 of the PMS2 protein (p.Val372Ile). The valine residue is moderately conserved and there is a small physicochemical difference between valine and isoleucine.

NM_000535.7(PMS2):c.1114G>A (p.Val372Ile)

Gene: PMS2 (PMS1 homolog 2, mismatch repair system component; minus strand). Cytogenetic location: 7p22.1.
Variant type: single nucleotide variant.
Coding change: c.1114G>A on transcript NM_000535.7 (MANE Select); coding-DNA position 1114, G replaced by A.
Protein change: p.Val372Ile; replaces valine 372 with isoleucine.
Molecular consequence: missense variant. On other transcripts: non-coding transcript variant (1), intron variant (2).
Genome position (GRCh38, 1-based): chr7:5,989,830, C>T on the plus strand (G>A on the coding strand, the complement: PMS2 is on the minus strand). VCF-style: chr7-5989830-C-T. GRCh37 (hg19) VCF-style: chr7-6029461-C-T.
Other names: c.709G>A, p.Val237Ile (NM_001322003.2, NM_001322004.2, NM_001322005.2 and 1 more transcripts); c.796G>A, p.Val266Ile (NM_001322007.2, NM_001322008.2); c.181G>A, p.Val61Ile (NM_001322011.2, NM_001322012.2); c.541G>A, p.Val181Ile (NM_001322013.2); c.1114G>A, p.Val372Ile (NM_001322014.2); c.805G>A, p.Val269Ile (NM_001322015.2); c.583+2143G>A (NM_001322010.2); c.988+2143G>A (NM_001322006.2); short protein forms V372I, V181I, V266I, V269I, V237I, V61I.
Identifiers: ClinVar variation 455638 (VCV000455638.9), dbSNP rs1554298669, ClinGen allele CA366742778.
Genomic context (GRCh38, chr7:5,989,830, plus strand): 5'-GAAGCTGTTTGTACACTGTATTTTTCTTACCTTCAACATCCAGCAGTGGCTGCTGACTGA[C>T]ATTTAGCTTGTTGACATCACTATCAAACATTCCTATCAAAGAGGTCTTTAAAACTGCCAA-3'
Protein context (NP_000526.2, residues 362-382): MFDSDVNKLN[Val372Ile]SQQPLLDVEG